The following is an entry in ClinVar:

ClinVar aggregate classification (germline): drug response (0 of 4 stars; one submission).

Conditions:
Tretinoin response. Also called: Retin-A response; All trans retinoic acid response; ATRA response. Identifiers: MedGen CN078026.

Submission:

Center for Advanced Molecular Diagnostics, Cytogenetics Laboratory, Brigham and Women's Hospital
Classification: drug response for all trans retinoic acid (ATRA) response. Last evaluated: 2015-03-01. Review status: no assertion criteria provided. Collection method: clinical testing. Allele origin: somatic. Affected: yes. Observed: 1 variant allele. Study: Atypical acute promyelocytic leukemia.
Comment: Associated with resistance of acute promyelocytic leukemia to all trans retinoic acid (ATRA)

Targeted exon sequencing

Literature cited by the submitters: PubMed 23670176.

NM_000964.4(RARA):c.1226_*1del (p.Leu409_Ter463delinsXaa)

Gene: RARA (retinoic acid receptor alpha; plus strand). Cytogenetic location: 17q21.2.
Variant type: Deletion.
Coding change: c.1226_*1del on transcript NM_000964.4 (MANE Select); coding-DNA position 1226 through 1 bases downstream of the stop codon, 165 bases deleted.
Protein change: p.Leu409_Ter463delinsXaa.
Molecular consequence: stop lost.
Genome position (GRCh38, 1-based): chr17:40,356,063-40,356,227, 165 bases deleted. GRCh37 (hg19): chr17:38,512,315-38,512,479.
Other names: c.1211_*1del, p.Leu404_Ter458delinsXaa (NM_001024809.4); c.1226_*1del, p.Leu409_Ter463delinsXaa (NM_001145301.3); c.935_*1del, p.Leu312_Ter366delinsXaa (NM_001145302.3).
Identifiers: ClinVar variation 191351 (VCV000191351.2), dbSNP rs1555574254, ClinGen allele CA199765.